The following is an entry in ClinVar:

ClinVar aggregate classification (germline): Uncertain significance (1 of 4 stars; one submission).

Conditions:
Bardet-Biedl syndrome (BBS). Identifiers: Orphanet 110, MedGen C0752166, MONDO:0015229.

Submission:

Labcorp Genetics (formerly Invitae), Labcorp
Classification: Uncertain significance for Bardet-Biedl syndrome. Last evaluated: 2022-02-03. Review status: criteria provided, single submitter. Criteria: Invitae Variant Classification Sherloc (09022015). Collection method: clinical testing. Allele origin: germline.
Comment: In summary, the available evidence is currently insufficient to determine the role of this variant in disease. Therefore, it has been classified as a Variant of Uncertain Significance. Algorithms developed to predict the effect of missense changes on protein structure and function (SIFT, PolyPhen-2, Align-GVGD) all suggest that this variant is likely to be tolerated. This variant has not been reported in the literature in individuals affected with TRIM32-related conditions. This variant is not present in population databases (gnomAD no frequency). This sequence change replaces methionine, which is neutral and non-polar, with threonine, which is neutral and polar, at codon 309 of the TRIM32 protein (p.Met309Thr).

NM_012210.4(TRIM32):c.926T>C (p.Met309Thr)

Genes: ASTN2 (astrotactin 2; minus strand), TRIM32 (tripartite motif containing 32; plus strand). Cytogenetic location: 9q33.1.
Variant type: single nucleotide variant.
Coding change: c.926T>C on transcript NM_012210.4 (MANE Select); coding-DNA position 926, T replaced by C.
Protein change: p.Met309Thr; replaces methionine 309 with threonine.
Molecular consequence: missense variant. On other transcripts: intron variant (3).
Genome position (GRCh38, 1-based): chr9:116,698,668, T>C. VCF-style: chr9-116698668-T-C. GRCh37 (hg19) VCF-style: chr9-119460947-T-C.
Other names: c.926T>C, p.Met309Thr (NM_001099679.2, NM_001379048.1, NM_001379049.1 and 1 more transcripts); c.2653+27103A>G (NM_014010.5); c.2794+27103A>G (NM_001365069.1); c.2806+27103A>G (NM_001365068.1); short protein forms M309T.
Identifiers: ClinVar variation 1954659 (VCV001954659.4), dbSNP rs2491063478, ClinGen allele CA374650387.